The following is an entry in ClinVar:

NM_001433705.1(NLRP5):c.3317+8G>A

Gene: NLRP5 (NLR family pyrin domain containing 5; plus strand). Cytogenetic location: 19q13.43.
Variant type: single nucleotide variant.
Coding change: c.3317+8G>A on transcript NM_001433705.1 (MANE Select); 8 bases into the intron after coding-DNA position 3317, G replaced by A.
Molecular consequence: intron variant.
Genome position (GRCh38, 1-based): chr19:56,058,418, G>A. VCF-style: chr19-56058418-G-A. GRCh37 (hg19) VCF-style: chr19-56569784-G-A.
Other names: NM_153447.4:c.3470+8G>A.
Identifiers: ClinVar variation 3044423 (VCV003044423.2), dbSNP rs746594915, ClinGen allele CA9686292.

ClinVar aggregate classification (germline): Likely benign (0 of 4 stars; one submission).

Conditions:
NLRP5-related disorder. Also called: NLRP5-related condition.

Allele frequency attached by ClinVar (database versions not stated): ExAC 0.00001; gnomAD exomes 0.00002; gnomAD 0.00001; TOPMed 0.00003.
gnomAD v4.1: 27 of 1,603,738 alleles (0.0017%); highest among the groups gnomAD compares: Admixed American, 0.0034%; no homozygotes.

Submission:

PreventionGenetics, part of Exact Sciences
Classification: Likely benign for NLRP5-related condition. Last evaluated: 2019-06-05. Review status: no assertion criteria provided. Collection method: clinical testing. Allele origin: germline.
Comment: This variant is classified as likely benign based on ACMG/AMP sequence variant interpretation guidelines (Richards et al. 2015 PMID: 25741868, with internal and published modifications).